The following is an entry in ClinVar:

NM_001256317.3(TMPRSS3):c.1340T>C (p.Met447Thr)

Gene: TMPRSS3 (transmembrane serine protease 3; minus strand). Cytogenetic location: 21q22.3.
Variant type: single nucleotide variant.
Coding change: c.1340T>C on transcript NM_001256317.3 (MANE Select); coding-DNA position 1340, T replaced by C.
Protein change: p.Met447Thr; replaces methionine 447 with threonine.
Molecular consequence: missense variant.
Genome position (GRCh38, 1-based): chr21:42,375,720, A>G on the plus strand (T>C on the coding strand, the complement: TMPRSS3 is on the minus strand). VCF-style: chr21-42375720-A-G. GRCh37 (hg19) VCF-style: chr21-43795829-A-G.
Other names: c.1343T>C, p.Met448Thr (NM_024022.4); c.962T>C, p.Met321Thr (NM_032404.3); short protein forms M448T, M321T, M447T.
Identifiers: ClinVar variation 46104 (VCV000046104.35), dbSNP rs201018751, ClinGen allele CA137690.
Genomic context (GRCh38, chr21:42,375,720, plus strand): 5'-GGACCTTAGGGTCAAAAGCCAGGGACAACGTGAGCTGGGGAGGGCGCCGCACCCACCTCC[A>G]TCTGCTCGTGGATCCAGTCCAGGAAGGAGGTGACACGGGTGTACACCCCAGGCTTGTTCA-3'
Protein context (NP_001243246.1, residues 437-453): TSFLDWIHEQ[Met447Thr]ERDLKT

ClinVar aggregate classification (germline): Pathogenic/Likely pathogenic. Review status: criteria provided, multiple submitters, no conflicts (2 of 4 stars). 9 submissions from 9 submitters: Pathogenic (2); Likely pathogenic (6). 1 of the submissions does not count toward it. Last evaluated 2025-11-06.

Conditions:
Rare genetic deafness. Identifiers: Orphanet 96210, MedGen C5680250.
TMPRSS3-related disorder. Also called: TMPRSS3-related condition.
Autosomal recessive nonsyndromic hearing loss 8 (DFNB8). Also called: NEUROSENSORY NONSYNDROMIC RECESSIVE DEAFNESS 8; Deafness, autosomal recessive 10. Identifiers: Orphanet 90636, MedGen C1832827, MONDO:0010987, OMIM 601072.

Allele frequency attached by ClinVar (database versions not stated): gnomAD 0.00001; ExAC 0.00002; gnomAD exomes 0.00002; TOPMed 0.00004.
gnomAD v4.1: 25 of 1,613,552 alleles (0.0015%); highest among the groups gnomAD compares: Non-Finnish European, 0.002%; no homozygotes.

Submissions (9):

Institute of Human Genetics, University of Leipzig Medical Center
Classification: Likely pathogenic for Autosomal recessive nonsyndromic hearing loss 8. Last evaluated: 2025-11-06. Review status: criteria provided, single submitter. Criteria: ACMG Guidelines, 2015. Collection method: clinical testing. Allele origin: maternal. Inheritance: Autosomal recessive inheritance. Affected: yes.
Comment: Criteria applied: PM3_STR,PM2

CeGaT Center for Human Genetics Tuebingen
Classification: Likely pathogenic. Last evaluated: 2025-06-01. Review status: criteria provided, single submitter. Criteria: CeGaT Center For Human Genetics Tuebingen Variant Classification Criteria Version 2. Collection method: clinical testing. Allele origin: germline. Affected: yes. Observed: 2 variant alleles.
Comment: TMPRSS3: PM3:Strong, PM2

PreventionGenetics, part of Exact Sciences
Classification: Likely pathogenic for TMPRSS3-related condition. Last evaluated: 2024-12-06. Review status: criteria provided, single submitter. Criteria: ACMG Guidelines, 2015. Collection method: clinical testing. Allele origin: germline.
Comment: The TMPRSS3 c.1343T>C variant is predicted to result in the amino acid substitution p.Met448Thr. This variant was reported in compound heterozygous state or together with second TMPRSS3 variant in multiple individuals with hearing loss (Lechowicz et al. 2017. PubMed ID: 28566687; Safka Brozkova et al. 2020. PubMed ID: 32860223; Ołdak et al. 2019. PubMed ID: 31412945). This variant was reported to segregate with disease in one family (Moon et al. 2021. PubMed ID: 34868270). This variant is reported in 0.0046% of alleles in individuals of European (Non-Finnish) descent in gnomAD. This variant is interpreted as likely pathogenic.

Labcorp Genetics (formerly Invitae), Labcorp
Classification: Pathogenic. Last evaluated: 2024-10-30. Review status: criteria provided, single submitter. Criteria: Invitae Variant Classification Sherloc (09022015). Collection method: clinical testing. Allele origin: germline.
Comment: This sequence change replaces methionine, which is neutral and non-polar, with threonine, which is neutral and polar, at codon 448 of the TMPRSS3 protein (p.Met448Thr). This variant is present in population databases (rs201018751, gnomAD 0.004%). This missense change has been observed in individual(s) with nonsyndromic deafness (PMID: 28566687, 31412945, 32860223). In at least one individual the data is consistent with being in trans (on the opposite chromosome) from a pathogenic variant. ClinVar contains an entry for this variant (Variation ID: 46104). Invitae Evidence Modeling of protein sequence and biophysical properties (such as structural, functional, and spatial information, amino acid conservation, physicochemical variation, residue mobility, and thermodynamic stability) has been performed for this missense variant. However, the output from this modeling did not meet the statistical confidence thresholds required to predict the impact of this variant on TMPRSS3 protein function. Studies have shown that this missense change alters TMPRSS3 gene expression (PMID: 28566687). For these reasons, this variant has been classified as Pathogenic.

Institute of Medical Genetics and Applied Genomics, University Hospital Tübingen
Classification: Likely pathogenic for Autosomal recessive nonsyndromic hearing loss 8. Last evaluated: 2024-08-09. Review status: criteria provided, single submitter. Criteria: ACMG Guidelines, 2015. Collection method: clinical testing. Allele origin: germline. Inheritance: Autosomal recessive inheritance. Affected: yes.

Women's Health and Genetics/Laboratory Corporation of America, LabCorp
Classification: Pathogenic for Autosomal recessive nonsyndromic hearing loss 8. Last evaluated: 2024-07-09. Review status: criteria provided, single submitter. Criteria: LabCorp Variant Classification Summary - May 2015. Collection method: clinical testing. Allele origin: germline.
Comment: Variant summary: TMPRSS3 c.1343T>C (p.Met448Thr) results in a non-conservative amino acid change in the encoded protein sequence. Three of five in-silico tools predict a damaging effect of the variant on protein function. The variant allele was found at a frequency of 2e-05 in 251392 control chromosomes (gnomAD). c.1343T>C has been reported in the literature in multiple individuals affected with Deafness, Autosomal Recessive 8 (e.g. Lechowicz_2017). These data indicate that the variant is very likely to be associated with disease. The following publication has been ascertained in the context of this evaluation (PMID: 28566687). ClinVar contains an entry for this variant (Variation ID: 46104). Based on the evidence outlined above, the variant was classified as pathogenic.

GeneDx
Classification: Likely pathogenic. Last evaluated: 2023-12-05. Review status: criteria provided, single submitter. Criteria: GeneDx Variant Classification Process June 2021. Collection method: clinical testing. Allele origin: germline. Affected: yes.
Comment: Not observed at a significant frequency in large population cohorts (gnomAD); In silico analysis supports that this missense variant has a deleterious effect on protein structure/function; This variant is associated with the following publications: (PMID: 31412945, 32860223, 28566687, 34868270, 35682719)

Laboratory for Molecular Medicine, Mass General Brigham Personalized Medicine
Classification: Likely pathogenic for Rare genetic deafness. Last evaluated: 2015-10-24. Review status: criteria provided, single submitter. Criteria: LMM Criteria. Collection method: clinical testing. Allele origin: germline. Inheritance: Autosomal recessive inheritance. Observed: 4 variant alleles.
Comment: This variant has also been identified in 2/66540 Europe an chromosomes by the Exome Aggregation Consortium (ExAC; dbSNP rs201018751); however its frequency is low enough to be consiste nt with a recessive carrier frequency. Computational prediction tools and conser vation analysis do not provide strong support for or against an impact to the pr otein. In summary, although additional studies are required to fully establish its clinical signifi cance, this variant is likely pathogenic.

Clinical Genetics Laboratory, University Hospital Schleswig-Holstein
Classification: Likely pathogenic for Autosomal recessive nonsyndromic hearing loss 8. Last evaluated: 2024-02-14. Review status: no assertion criteria provided. Collection method: clinical testing. Allele origin: germline. Affected: yes. Not counted in ClinVar's aggregate classification.

Literature cited by the submitters: PubMed 28566687 (cited by Labcorp Genetics (formerly Invitae), Labcorp and Women's Health and Genetics/Laboratory Corporation of America, LabCorp); PubMed 31412945 (cited by Labcorp Genetics (formerly Invitae), Labcorp); PubMed 32860223 (cited by Labcorp Genetics (formerly Invitae), Labcorp).